The following is an entry in ClinVar:

ClinVar aggregate classification (germline): Uncertain significance (1 of 4 stars; one submission).

Submission:

Ambry Genetics
Classification: Uncertain significance. Last evaluated: 2022-11-12. Review status: criteria provided, single submitter. Criteria: Ambry Variant Classification Scheme 2023. Collection method: clinical testing. Allele origin: germline.
Comment: The p.L927F variant (also known as c.2779C>T), located in coding exon 15 of the PALLD gene, results from a C to T substitution at nucleotide position 2779. The leucine at codon 927 is replaced by phenylalanine, an amino acid with highly similar properties. This amino acid position is conserved. In addition, the in silico prediction for this alteration is inconclusive. Since supporting evidence is limited at this time, the clinical significance of this alteration remains unclear.

NM_001166108.2(PALLD):c.2830C>T (p.Leu944Phe)

Genes: CBR4 (carbonyl reductase 4; minus strand), PALLD (palladin, cytoskeletal associated protein; plus strand). Cytogenetic location: 4q32.3.
Variant type: single nucleotide variant.
Coding change: c.2830C>T on transcript NM_001166108.2 (MANE Select); coding-DNA position 2830, C replaced by T.
Protein change: p.Leu944Phe; replaces leucine 944 with phenylalanine.
Molecular consequence: missense variant.
Genome position (GRCh38, 1-based): chr4:168,916,007, C>T. VCF-style: chr4-168916007-C-T. GRCh37 (hg19) VCF-style: chr4-169837158-C-T.
Other names: c.1633C>T, p.Leu545Phe (NM_001166109.2); c.1318C>T, p.Leu440Phe (NM_001166110.2); c.658C>T, p.Leu220Phe (NM_001367567.1, NM_001367569.1); c.709C>T, p.Leu237Phe (NM_001367568.1, NM_001367570.1); c.2779C>T, p.Leu927Phe (NM_016081.4); short protein forms L237F, L545F, L944F, L220F, L927F, L440F.
Identifiers: ClinVar variation 2448450 (VCV002448450.2), dbSNP rs2534080481, ClinGen allele CA358706942.